The following is an entry in ClinVar:

NM_001197104.2(KMT2A):c.2216_2217del (p.Lys739fs)

Gene: KMT2A (lysine methyltransferase 2A; plus strand). Cytogenetic location: 11q23.3.
Variant type: Deletion.
Coding change: c.2216_2217del on transcript NM_001197104.2 (MANE Select); coding-DNA positions 2216 to 2217, 2 bases deleted (AA; older notation c.2216_2217delAA).
Protein change: p.Lys739fs; shifts the reading frame from lysine 739.
Molecular consequence: frameshift variant.
Genome position (GRCh38, 1-based): chr11:118,473,375-118,473,376, AA deleted; deleting any 2 consecutive bases within chr11:118,473,373-118,473,376 gives the same sequence; the c. name uses the placement nearest the transcript's 3' end. VCF-style (leftmost placement, unchanged base first): chr11-118473372-GAA-G. GRCh37 (hg19) VCF-style: chr11-118344087-GAA-G.
Other names: c.2315_2316del, p.Lys772fs (NM_001412597.1); c.2216_2217del, p.Lys739fs (NM_005933.4); short protein forms K739fs, K772fs.
Identifiers: ClinVar variation 3391277 (VCV003391277.1).

ClinVar aggregate classification (germline): Likely pathogenic (1 of 4 stars; one submission).

Conditions:
Wiedemann-Steiner syndrome (WDSTS). Also called: Growth deficiency and mental retardation with facial dysmorphism. Identifiers: Orphanet 319182, MedGen C1854630, MONDO:0011518, OMIM 605130.

Submission:

Neuberg Centre For Genomic Medicine, NCGM
Classification: Likely pathogenic for Wiedemann-Steiner syndrome. Last evaluated: 2023-07-22. Review status: criteria provided, single submitter. Criteria: ACMG Guidelines, 2015. Collection method: clinical testing. Allele origin: germline. Inheritance: Autosomal dominant inheritance. Affected: yes.
Comment: The frame shift c.2216_2217del p.Lys739SerfsTer3 variant in KMT2A gene has not been reported previously as a pathogenic variant nor as a benign variant, to our knowledge. The observed variant is absent in gnomAD exomes database. This variant has not been submitted to the ClinVar database. This variant causes a frameshift starting with codon Lysine 739, changes this amino acid to Serine residue, and creates a premature Stop codon at position 3 of the new reading frame, denoted p.Lys739SerfsTer3. This variant is predicted to cause loss of normal protein function through protein truncation. Loss of function variants have been previously reported to be disease causing. For these reasons, this variant has been classified as Likely Pathogenic.